The following is an entry in ClinVar:

NM_080425.4(GNAS):c.1539G>A (p.Ala513=)

Gene: GNAS (GNAS complex locus; plus strand). Cytogenetic location: 20q13.32.
Variant type: single nucleotide variant.
Coding change: c.1539G>A on transcript NM_080425.4 (MANE Plus Clinical); coding-DNA position 1539, G replaced by A.
Protein change: p.Ala513=; no amino-acid change (alanine 513 retained).
Molecular consequence: synonymous variant. On other transcripts: missense variant (2), intron variant (3).
Genome position (GRCh38, 1-based): chr20:58,854,804, G>A. VCF-style: chr20-58854804-G-A. GRCh37 (hg19) VCF-style: chr20-57429859-G-A.
Other names: c.1352G>A, p.Arg451Gln (NM_001077490.3, NM_001309883.1); c.1539G>A, p.Ala513= (NM_001410913.1); c.*42+13918G>A (NM_016592.5); c.43+13918G>A (NM_001410912.1); c.-39+12929G>A (NM_001309861.2); short protein forms R451Q.
Identifiers: ClinVar variation 3353329 (VCV003353329.1).
Genomic context (GRCh38, chr20:58,854,804, plus strand): 5'-CGCAGGGGCTCCCACTGCCCCAGCCGCTTCTGCCACCCGGGCAGCCCAAGTCCGCCGGGC[G>A]GCCTCTGCAGCCCCTGCCTCCGGGGCCAGACGCAAGATCCATCTCAGACCCCCCAGCCCC-3'
Protein context (NP_536350.2, residues 503-523): SATRAAQVRR[Ala513=]ASAAPASGAR

ClinVar aggregate classification (germline): Uncertain significance (0 of 4 stars; one submission).

Conditions:
GNAS-related disorder. Identifiers: MedGen CN380105.

gnomAD v4.1: 2 of 1,584,420 alleles (0.00013%); highest among the groups gnomAD compares: Non-Finnish European, 0.00017%; no homozygotes.

Submission:

PreventionGenetics, part of Exact Sciences
Classification: Uncertain significance for GNAS-related condition. Last evaluated: 2024-09-13. Review status: no assertion criteria provided. Collection method: clinical testing. Allele origin: germline.
Comment: The GNAS c.1352G>A variant is predicted to result in the amino acid substitution p.Arg451Gln. To our knowledge, this variant has not been reported in the literature or in a large population database, indicating this variant is rare. At this time, the clinical significance of this variant is uncertain due to the absence of conclusive functional and genetic evidence.